The following is an entry in ClinVar:

ClinVar aggregate classification (germline): Uncertain significance (1 of 4 stars; one submission).

Conditions:
Paroxysmal nonkinesigenic dyskinesia. Also called: Paroxysmal non-kinesigenic dyskinesia. Identifiers: Orphanet 98810, MedGen C1869117, MONDO:0700088.

Allele frequency attached by ClinVar (database versions not stated): gnomAD 0.00001; TOPMed 0.00002.
gnomAD v4.1: 15 of 984,390 alleles (0.0015%); highest among the groups gnomAD compares: Non-Finnish European, 0.002%; no homozygotes.

Submission:

Labcorp Genetics (formerly Invitae), Labcorp
Classification: Uncertain significance for Paroxysmal nonkinesigenic dyskinesia. Last evaluated: 2023-09-18. Review status: criteria provided, single submitter. Criteria: Invitae Variant Classification Sherloc (09022015). Collection method: clinical testing. Allele origin: germline.
Comment: This sequence change replaces glycine, which is neutral and non-polar, with arginine, which is basic and polar, at codon 23 of the PNKD protein (p.Gly23Arg). This variant also falls at the last nucleotide of exon 1, which is part of the consensus splice site for this exon. This variant is not present in population databases (gnomAD no frequency). This variant has not been reported in the literature in individuals affected with PNKD-related conditions. ClinVar contains an entry for this variant (Variation ID: 935685). An algorithm developed to predict the effect of missense changes on protein structure and function (PolyPhen-2) suggests that this variant is likely to be disruptive. Variants that disrupt the consensus splice site are a relatively common cause of aberrant splicing (PMID: 17576681, 9536098). Algorithms developed to predict the effect of sequence changes on RNA splicing suggest that this variant may disrupt the consensus splice site. In summary, the available evidence is currently insufficient to determine the role of this variant in disease. Therefore, it has been classified as a Variant of Uncertain Significance.

Literature cited by the submitters: PubMed 17576681; PubMed 9536098.

NM_015488.5(PNKD):c.67G>A (p.Gly23Arg)

Genes: PNKD (PNKD metallo-beta-lactamase domain containing; plus strand), LOC129935594 (ATAC-STARR-seq lymphoblastoid active region 17117; plus strand). Cytogenetic location: 2q35.
Variant type: single nucleotide variant.
Coding change: c.67G>A on transcript NM_015488.5 (MANE Select); coding-DNA position 67, G replaced by A.
Protein change: p.Gly23Arg; replaces glycine 23 with arginine.
Molecular consequence: missense variant.
Genome position (GRCh38, 1-based): chr2:218,270,602, G>A. VCF-style: chr2-218270602-G-A. GRCh37 (hg19) VCF-style: chr2-219135325-G-A.
Other names: c.67G>A, p.Gly23Arg (NM_001077399.3); short protein forms G23R.
Identifiers: ClinVar variation 935685 (VCV000935685.10), dbSNP rs901028645, ClinGen allele CA65747261.
Genomic context (GRCh38, chr2:218,270,602, plus strand): 5'-GCGGTGGTAGCTGCTACGGCGCTGAAGGGCCGGGGGGCGAGAAATGCCCGCGTCCTCCGG[G>A]GTAAGGAGAGGGACCCCGGGGAGGGCAGGACTGCAGAAGATCCCTTTTCTTTCACGTCCA-3'
Protein context (NP_056303.3, residues 13-33): RGARNARVLR[Gly23Arg]ILAGATANKA